The following is an entry in ClinVar:

NM_000229.2(LCAT):c.169G>C (p.Gly57Arg)

Gene: LCAT (lecithin-cholesterol acyltransferase; minus strand). Cytogenetic location: 16q22.1.
Variant type: single nucleotide variant.
Coding change: c.169G>C on transcript NM_000229.2 (MANE Select); coding-DNA position 169, G replaced by C.
Protein change: p.Gly57Arg; replaces glycine 57 with arginine.
Molecular consequence: missense variant.
Genome position (GRCh38, 1-based): chr16:67,943,198, C>G on the plus strand (G>C on the coding strand, the complement: LCAT is on the minus strand). VCF-style: chr16-67943198-C-G. GRCh37 (hg19) VCF-style: chr16-67977101-C-G.
Other names: short protein forms G57R.
Identifiers: ClinVar variation 2736370 (VCV002736370.3), dbSNP rs2058302561, ClinGen allele CA396382170.

ClinVar aggregate classification (germline): Uncertain significance (1 of 4 stars; one submission).

Allele frequency attached by ClinVar (database versions not stated): gnomAD exomes below 0.00001; TOPMed below 0.00001.
gnomAD v4.1: 4 of 1,613,328 alleles (0.00025%); highest among the groups gnomAD compares: Non-Finnish European, 0.00025%; no homozygotes.

Submission:

Labcorp Genetics (formerly Invitae), Labcorp
Classification: Uncertain significance. Last evaluated: 2023-11-01. Review status: criteria provided, single submitter. Criteria: Invitae Variant Classification Sherloc (09022015). Collection method: clinical testing. Allele origin: germline.
Comment: This sequence change replaces glycine, which is neutral and non-polar, with arginine, which is basic and polar, at codon 57 of the LCAT protein (p.Gly57Arg). This variant is not present in population databases (gnomAD no frequency). This missense change has been observed in individual(s) with lecithin cholesterol acyltransferase deficiency (PMID: 7711728). This variant is also known as Gly33Arg. Advanced modeling of protein sequence and biophysical properties (such as structural, functional, and spatial information, amino acid conservation, physicochemical variation, residue mobility, and thermodynamic stability) performed at Invitae indicates that this missense variant is expected to disrupt LCAT protein function with a positive predictive value of 80%. In summary, the available evidence is currently insufficient to determine the role of this variant in disease. Therefore, it has been classified as a Variant of Uncertain Significance.

Literature cited by the submitters: PubMed 7711728.